The following is an entry in ClinVar:

ClinVar aggregate classification (germline): Uncertain significance. Review status: criteria provided, multiple submitters, no conflicts (2 of 4 stars). 2 submissions from 2 submitters: Uncertain significance (2). Last evaluated 2025-08-07.

Allele frequency attached by ClinVar (database versions not stated): gnomAD 0.00001; ExAC 0.00009.
gnomAD v4.1: 14 of 1,614,062 alleles (0.00087%); highest among the groups gnomAD compares: East Asian, 0.027%; no homozygotes.

Submissions (2):

Ambry Genetics
Classification: Uncertain significance. Last evaluated: 2025-08-07. Review status: criteria provided, single submitter. Criteria: Ambry Variant Classification Scheme 2023. Collection method: clinical testing. Allele origin: germline.

Labcorp Genetics (formerly Invitae), Labcorp
Classification: Uncertain significance. Last evaluated: 2022-08-20. Review status: criteria provided, single submitter. Criteria: Invitae Variant Classification Sherloc (09022015). Collection method: clinical testing. Allele origin: germline.
Comment: In summary, the available evidence is currently insufficient to determine the role of this variant in disease. Therefore, it has been classified as a Variant of Uncertain Significance. Algorithms developed to predict the effect of missense changes on protein structure and function are either unavailable or do not agree on the potential impact of this missense change (SIFT: "Tolerated"; PolyPhen-2: "Possibly Damaging"; Align-GVGD: "Class C0"). This variant has not been reported in the literature in individuals affected with ZNF687-related conditions. This variant is present in population databases (rs754560639, gnomAD 0.1%), and has an allele count higher than expected for a pathogenic variant. This sequence change replaces alanine, which is neutral and non-polar, with threonine, which is neutral and polar, at codon 309 of the ZNF687 protein (p.Ala309Thr).

NM_020832.3(ZNF687):c.925G>A (p.Ala309Thr)

Gene: ZNF687 (zinc finger protein 687; plus strand). Cytogenetic location: 1q21.3.
Variant type: single nucleotide variant.
Coding change: c.925G>A on transcript NM_020832.3 (MANE Select); coding-DNA position 925, G replaced by A.
Protein change: p.Ala309Thr; replaces alanine 309 with threonine.
Molecular consequence: missense variant.
Genome position (GRCh38, 1-based): chr1:151,287,216, G>A. VCF-style: chr1-151287216-G-A. GRCh37 (hg19) VCF-style: chr1-151259692-G-A.
Other names: c.925G>A (NM_020832.1); c.925G>A, p.Ala309Thr (NM_001304763.2, NM_001304764.2); short protein forms A309T.
Identifiers: ClinVar variation 2192209 (VCV002192209.7), dbSNP rs754560639, ClinGen allele CA1088246.